The following is an entry in ClinVar:

NM_001365951.3(KIF1B):c.3327C>G (p.Asn1109Lys)

Gene: KIF1B (kinesin family member 1B; plus strand). Cytogenetic location: 1p36.22.
Variant type: single nucleotide variant.
Coding change: c.3327C>G on transcript NM_001365951.3 (MANE Select); coding-DNA position 3327, C replaced by G.
Protein change: p.Asn1109Lys; replaces asparagine 1109 with lysine.
Molecular consequence: missense variant.
Genome position (GRCh38, 1-based): chr1:10,337,438, C>G. VCF-style: chr1-10337438-C-G. GRCh37 (hg19) VCF-style: chr1-10397496-C-G.
Other names: c.3327C>G, p.Asn1109Lys (NM_001365952.1); c.3189C>G, p.Asn1063Lys (NM_015074.3); short protein forms N1063K, N1109K.
Identifiers: ClinVar variation 3533873 (VCV003533873.1).

ClinVar aggregate classification (germline): Uncertain significance (1 of 4 stars; one submission).

gnomAD v4.1: 2 of 1,614,058 alleles (0.00012%); highest among the groups gnomAD compares: African/African-American, 0.0013%; no homozygotes.

Submission:

Ambry Genetics
Classification: Uncertain significance. Last evaluated: 2024-07-11. Review status: criteria provided, single submitter. Criteria: Ambry Variant Classification Scheme 2023. Collection method: clinical testing. Allele origin: germline.
Comment: The p.N1063K variant (also known as c.3189C>G), located in coding exon 28 of the KIF1B gene, results from a C to G substitution at nucleotide position 3189. The asparagine at codon 1063 is replaced by lysine, an amino acid with similar properties. This amino acid position is conserved. In addition, this alteration is predicted to be tolerated by in silico analysis. Based on the available evidence, the clinical significance of this variant remains unclear.